The following is an entry in ClinVar:

ClinVar aggregate classification (germline): Uncertain significance (1 of 4 stars; one submission).

Conditions:
Landau-Kleffner syndrome (FESD). Also called: EPILEPSY, FOCAL, WITH SPEECH DISORDER AND WITH OR WITHOUT MENTAL RETARDATION; APHASIA, ACQUIRED, WITH EPILEPSY. Identifiers: Orphanet 1945, Orphanet 725, Orphanet 98818, MedGen C0282512, MONDO:0009509, OMIM 245570.

Submission:

Labcorp Genetics (formerly Invitae), Labcorp
Classification: Uncertain significance for Landau-Kleffner syndrome. Last evaluated: 2023-03-26. Review status: criteria provided, single submitter. Criteria: Invitae Variant Classification Sherloc (09022015). Collection method: clinical testing. Allele origin: germline.
Comment: In summary, the available evidence is currently insufficient to determine the role of this variant in disease. Therefore, it has been classified as a Variant of Uncertain Significance. Advanced modeling of protein sequence and biophysical properties (such as structural, functional, and spatial information, amino acid conservation, physicochemical variation, residue mobility, and thermodynamic stability) performed at Invitae indicates that this missense variant is not expected to disrupt GRIN2A protein function. This variant has not been reported in the literature in individuals affected with GRIN2A-related conditions. This variant is not present in population databases (gnomAD no frequency). This sequence change replaces phenylalanine, which is neutral and non-polar, with leucine, which is neutral and non-polar, at codon 849 of the GRIN2A protein (p.Phe849Leu).

NM_001134407.3(GRIN2A):c.2547C>A (p.Phe849Leu)

Gene: GRIN2A (glutamate ionotropic receptor NMDA type subunit 2A; minus strand). Cytogenetic location: 16p13.2.
Variant type: single nucleotide variant.
Coding change: c.2547C>A on transcript NM_001134407.3 (MANE Select); coding-DNA position 2547, C replaced by A.
Protein change: p.Phe849Leu; replaces phenylalanine 849 with leucine.
Molecular consequence: missense variant.
Genome position (GRCh38, 1-based): chr16:9,768,899, G>T on the plus strand (C>A on the coding strand, the complement: GRIN2A is on the minus strand). VCF-style: chr16-9768899-G-T. GRCh37 (hg19) VCF-style: chr16-9862756-G-T.
Other names: c.2547C>A, p.Phe849Leu (NM_000833.5, NM_001134408.2); short protein forms F849L.
Identifiers: ClinVar variation 3007837 (VCV003007837.3), dbSNP rs758351955, ClinGen allele CA394709893.